The following is an entry in ClinVar:

ClinVar aggregate classification (germline): Uncertain significance. Review status: criteria provided, multiple submitters, no conflicts (2 of 4 stars). 5 submissions from 5 submitters: Uncertain significance (4). 1 of the submissions does not count toward it. Last evaluated 2025-11-17.

Conditions:
CDK5RAP2-related disorder. Also called: CDK5RAP2-related condition.
Inborn genetic diseases. Identifiers: MedGen C0950123, MeSH D030342.

Allele frequency attached by ClinVar (database versions not stated): gnomAD exomes 0.00007; ExAC 0.00009; ESP Exome Variant Server 0.00038; TOPMed 0.00039; 1000 Genomes Project 0.00080; 1000 Genomes Project 30x 0.00094.
gnomAD v4.1: 99 of 1,614,076 alleles (0.0061%); highest among the groups gnomAD compares: African/African-American, 0.11%; no homozygotes.

Submissions (5):

Labcorp Genetics (formerly Invitae), Labcorp
Classification: Uncertain significance. Last evaluated: 2025-11-17. Review status: criteria provided, single submitter. Criteria: Invitae Variant Classification Sherloc (09022015). Collection method: clinical testing. Allele origin: germline.
Comment: This sequence change replaces serine, which is neutral and polar, with tyrosine, which is neutral and polar, at codon 1412 of the CDK5RAP2 protein (p.Ser1412Tyr). This variant is present in population databases (rs201387927, gnomAD 0.1%). This variant has not been reported in the literature in individuals affected with CDK5RAP2-related conditions. ClinVar contains an entry for this variant (Variation ID: 1050586). An algorithm developed to predict the effect of missense changes on protein structure and function (PolyPhen-2) suggests that this variant is likely to be disruptive. In summary, the available evidence is currently insufficient to determine the role of this variant in disease. Therefore, it has been classified as a Variant of Uncertain Significance.

PreventionGenetics, part of Exact Sciences
Classification: Uncertain significance for CDK5RAP2-related condition. Last evaluated: 2025-05-05. Review status: criteria provided, single submitter. Criteria: ACMG Guidelines, 2015. Collection method: clinical testing. Allele origin: germline.
Comment: The CDK5RAP2 c.4235C>A variant is predicted to result in the amino acid substitution p.Ser1412Tyr. To our knowledge, this variant has not been reported in the literature. This variant is reported in 0.088% of alleles in individuals of African descent in gnomAD. Although we suspect that this variant may be benign, at this time, the clinical significance of this variant is uncertain due to the absence of conclusive functional and genetic evidence.

Ambry Genetics
Classification: Uncertain significance for Inborn genetic diseases. Last evaluated: 2023-12-08. Review status: criteria provided, single submitter. Criteria: Ambry Variant Classification Scheme 2023. Collection method: clinical testing. Allele origin: germline.

GeneDx
Classification: Uncertain significance. Last evaluated: 2022-11-01. Review status: criteria provided, single submitter. Criteria: GeneDx Variant Classification Process June 2021. Collection method: clinical testing. Allele origin: germline. Affected: yes.
Comment: In silico analysis supports that this missense variant has a deleterious effect on protein structure/function; Has not been previously published as pathogenic or benign to our knowledge

Department of Pathology and Laboratory Medicine, Sinai Health System
Classification: Uncertain significance. Review status: no assertion criteria provided. Collection method: clinical testing. Allele origin: unknown. Affected: yes. Study: The Canadian Open Genetics Repository (COGR). Not counted in ClinVar's aggregate classification.
Comment: The CDK5RAP2 p.Ser1182Tyr variant was not identified in the literature nor was it identified in ClinVar, Cosmic or LOVD 3.0. The variant was identified in dbSNP (ID: rs201387927) and in control databases in 25 of 282850 chromosomes at a frequency of 0.000088 (Genome Aggregation Database Feb 27, 2017). The variant was observed in the following populations: African in 22 of 24966 chromosomes (freq: 0.000881) and Latino in 3 of 35436 chromosomes (freq: 0.000085); it was not observed in the Ashkenazi Jewish, East Asian, European (Finnish), European (non-Finnish), Other or South Asian populations. The p.Ser1182 residue is conserved across mammals and other organisms, and computational analyses (PolyPhen-2, SIFT, AlignGVGD, BLOSUM, MutationTaster) suggest that the variant may impact the protein; however, this information is not predictive enough to assume pathogenicity. The variant occurs outside of the splicing consensus sequence and in silico or computational prediction software programs (SpliceSiteFinder, MaxEntScan, NNSPLICE, GeneSplicer) do not predict a difference in splicing. In summary, based on the above information the clinical significance of this variant cannot be determined with certainty at this time. This variant is classified as a variant of uncertain significance.

NM_018249.6(CDK5RAP2):c.4235C>A (p.Ser1412Tyr)

Gene: CDK5RAP2 (CDK5 regulatory subunit associated protein 2; minus strand). Cytogenetic location: 9q33.2.
Variant type: single nucleotide variant.
Coding change: c.4235C>A on transcript NM_018249.6 (MANE Select); coding-DNA position 4235, C replaced by A.
Protein change: p.Ser1412Tyr; replaces serine 1412 with tyrosine.
Molecular consequence: missense variant. On other transcripts: non-coding transcript variant (5).
Genome position (GRCh38, 1-based): chr9:120,415,102, G>T on the plus strand (C>A on the coding strand, the complement: CDK5RAP2 is on the minus strand). VCF-style: chr9-120415102-G-T. GRCh37 (hg19) VCF-style: chr9-123177380-G-T.
Other names: c.4235C>A, p.Ser1412Tyr (NM_001011649.3); c.3545C>A, p.Ser1182Tyr (NM_001272039.2); c.4235C>A (NM_018249.4, NM_018249.5); short protein forms S1182Y, S1412Y.
Identifiers: ClinVar variation 1050586 (VCV001050586.6), dbSNP rs201387927, ClinGen allele CA5213623.